The following is an entry in ClinVar:

ClinVar aggregate classification (germline): Benign/Likely benign. Review status: criteria provided, multiple submitters, no conflicts (2 of 4 stars). 8 submissions from 8 submitters: Benign (1); Likely benign (4). 3 of the submissions do not count toward it. Last evaluated 2026-02-24.

Conditions:
CACNA1D-related disorder.

Allele frequency attached by ClinVar (database versions not stated): gnomAD exomes 0.00008 and 0.00032; TOPMed 0.00014; 1000 Genomes Project 30x 0.00078; 1000 Genomes Project 0.00080; gnomAD 0.00017; ExAC 0.00026.
gnomAD v4.1: 157 of 1,593,266 alleles (0.0099%); highest among the groups gnomAD compares: East Asian, 0.27%; 1 homozygote.

Submissions (8):

Women's Health and Genetics/Laboratory Corporation of America, LabCorp
Classification: Benign. Last evaluated: 2026-02-24. Review status: criteria provided, single submitter. Criteria: LabCorp Variant Classification Summary - May 2015. Collection method: clinical testing. Allele origin: germline.
Comment: Variant summary: CACNA1D c.2466+5G>A alters a nucleotide located close to a canonical splice site and therefore could affect mRNA splicing, leading to a significantly altered protein sequence. Several computational tools predict a significant impact on normal splicing: Three predict the variant weakens a 5' donor site. However, these predictions have yet to be confirmed by functional studies. The variant allele was found at a frequency of 0.00032 in 251176 control chromosomes, predominantly at a frequency of 0.0041 within the East Asian subpopulation in the gnomAD database, including 1 homozygotes. The observed variant frequency within East Asian control individuals in the gnomAD database exceeds the estimated maximal expected allele frequency for disease-causing variants in CACNA1D. To our knowledge, no occurrence of c.2466+5G>A in individuals affected with CACNA1D-related conditions and no experimental evidence demonstrating its impact on protein function have been reported. ClinVar contains an entry for this variant (Variation ID: 504805). Based on the evidence outlined above, the variant was classified as benign.

Labcorp Genetics (formerly Invitae), Labcorp
Classification: Likely benign. Last evaluated: 2026-02-01. Review status: criteria provided, single submitter. Criteria: Invitae Variant Classification Sherloc (09022015). Collection method: clinical testing. Allele origin: germline.

Blueprint Genetics
Classification: Likely benign. Last evaluated: 2024-10-23. Review status: criteria provided, single submitter. Criteria: ACMG Guidelines, 2015. Collection method: clinical testing. Allele origin: germline.

GeneDx
Classification: Likely benign. Last evaluated: 2021-02-03. Review status: criteria provided, single submitter. Criteria: GeneDx Variant Classification Process June 2021. Collection method: clinical testing. Allele origin: germline. Affected: yes.

Laboratory for Molecular Medicine, Mass General Brigham Personalized Medicine
Classification: Likely benign. Last evaluated: 2016-11-01. Review status: criteria provided, single submitter. Criteria: LMM Criteria. Collection method: clinical testing. Allele origin: germline. Observed: 1 variant allele.
Comment: c.2466+5G>A in intron 18 of CACNA1D: This variant is not expected to have clini cal significance because it has been identified in 0.4% (30/8554) of East Asian chromosomes by the Exome Aggregation Consortium (ExAC; dbSNP rs193270389).

PreventionGenetics, part of Exact Sciences
Classification: Likely benign for CACNA1D-related condition. Last evaluated: 2020-07-28. Review status: no assertion criteria provided. Collection method: clinical testing. Allele origin: germline. Not counted in ClinVar's aggregate classification.
Comment: This variant is classified as likely benign based on ACMG/AMP sequence variant interpretation guidelines (Richards et al. 2015 PMID: 25741868, with internal and published modifications).

Clinical Genetics, Academic Medical Center
Classification: Benign. Review status: no assertion criteria provided. Collection method: clinical testing. Allele origin: germline. Affected: yes. Study: VKGL Data-share Consensus. Not counted in ClinVar's aggregate classification.

Joint Genome Diagnostic Labs from Nijmegen and Maastricht, Radboudumc and MUMC+
Classification: Likely benign. Review status: no assertion criteria provided. Collection method: clinical testing. Allele origin: germline. Affected: yes. Study: VKGL Data-share Consensus. Not counted in ClinVar's aggregate classification.

NM_001128840.3(CACNA1D):c.2406+5G>A

Gene: CACNA1D (calcium voltage-gated channel subunit alpha1 D; plus strand). Cytogenetic location: 3p21.1.
Variant type: single nucleotide variant.
Coding change: c.2406+5G>A on transcript NM_001128840.3 (MANE Select); 5 bases into the intron after coding-DNA position 2406, G replaced by A.
Molecular consequence: intron variant.
Genome position (GRCh38, 1-based): chr3:53,731,151, G>A. VCF-style: chr3-53731151-G-A. GRCh37 (hg19) VCF-style: chr3-53765178-G-A.
Other names: c.2406+5G>A (NM_001128839.3); c.2466+5G>A (NM_000720.4).
Identifiers: ClinVar variation 504805 (VCV000504805.21), dbSNP rs193270389, ClinGen allele CA2454221.